The following is an entry in ClinVar:

ClinVar aggregate classification (germline): Uncertain significance (1 of 4 stars; one submission).

Allele frequency attached by ClinVar (database versions not stated): gnomAD exomes below 0.00001; ExAC 0.00001.

Submission:

GeneDx
Classification: Uncertain significance. Last evaluated: 2023-01-19. Review status: criteria provided, single submitter. Criteria: GeneDx Variant Classification Process June 2021. Collection method: clinical testing. Allele origin: germline. Affected: yes.
Comment: Not observed at significant frequency in large population cohorts (gnomAD); In silico analysis supports that this missense variant has a deleterious effect on protein structure/function; Has not been previously published as pathogenic or benign to our knowledge

NM_003923.3(FOXH1):c.242T>C (p.Ile81Thr)

Gene: FOXH1 (forkhead box H1; minus strand). Cytogenetic location: 8q24.3.
Variant type: single nucleotide variant.
Coding change: c.242T>C on transcript NM_003923.3 (MANE Select); coding-DNA position 242, T replaced by C.
Protein change: p.Ile81Thr; replaces isoleucine 81 with threonine.
Molecular consequence: missense variant.
Genome position (GRCh38, 1-based): chr8:144,475,194, A>G on the plus strand (T>C on the coding strand, the complement: FOXH1 is on the minus strand). VCF-style: chr8-144475194-A-G. GRCh37 (hg19) VCF-style: chr8-145700577-A-G.
Other names: short protein forms I81T.
Identifiers: ClinVar variation 2573967 (VCV002573967.1), dbSNP rs770796365, ClinGen allele CA4945621.